The following is an entry in ClinVar:

ClinVar aggregate classification (germline): Pathogenic (1 of 4 stars; one submission).

Submission:

Labcorp Genetics (formerly Invitae), Labcorp
Classification: Pathogenic. Last evaluated: 2023-07-10. Review status: criteria provided, single submitter. Criteria: Invitae Variant Classification Sherloc (09022015). Collection method: clinical testing. Allele origin: germline.
Comment: This variant is a gross deletion of the genomic region encompassing exon(s) 40 of the DMXL2 gene. This deletion is out-of-frame, and is expected to create a premature termination codon and result in an absent or disrupted protein product. Loss-of-function variants in DMXL2 are known to be pathogenic (PMID: 30237576, 31688942). This variant has not been reported in the literature in individuals affected with DMXL2-related conditions. For these reasons, this variant has been classified as Pathogenic.

Literature cited by the submitters: PubMed 30237576; PubMed 31688942.

NC_000015.9:g.(?_51745727)_(51745858_?)del

Gene: DMXL2 (Dmx like 2; minus strand). Cytogenetic location: 15q21.2.
Variant type: Deletion.
Identifiers: ClinVar variation 2423928 (VCV002423928.4).